The following is an entry in ClinVar:

NM_001114748.2(TMEM240):c.323del (p.Asp108fs)

Gene: TMEM240 (transmembrane protein 240; minus strand). Cytogenetic location: 1p36.33.
Variant type: Deletion.
Coding change: c.323del on transcript NM_001114748.2 (MANE Select); coding-DNA position 323, one base deleted (A; older notation c.323delA).
Protein change: p.Asp108fs; shifts the reading frame from aspartic acid 108.
Molecular consequence: frameshift variant.
Genome position (GRCh38, 1-based): chr1:1,535,639, T deleted on the plus strand (A on the coding strand, the reverse complement: TMEM240 is on the minus strand). VCF-style (leftmost placement, unchanged base first): chr1-1535638-GT-G. GRCh37 (hg19) VCF-style: chr1-1471018-GT-G.
Other names: short protein forms D108fs.
Identifiers: ClinVar variation 3776541 (VCV003776541.1).

ClinVar aggregate classification (germline): Uncertain significance (1 of 4 stars; one submission).

Submission:

GeneDx
Classification: Uncertain significance. Last evaluated: 2024-10-02. Review status: criteria provided, single submitter. Criteria: GeneDx Variant Classification Process June 2021. Collection method: clinical testing. Allele origin: germline. Affected: yes.
Comment: Not observed at significant frequency in large population cohorts (gnomAD); Frameshift variant predicted to result in abnormal protein length as the last 66 amino acids are replaced with 50 different amino acids; Has not been previously published as pathogenic or benign to our knowledge